The following is an entry in ClinVar:

ClinVar aggregate classification (germline): Benign/Likely benign. Review status: criteria provided, multiple submitters, no conflicts (2 of 4 stars). 3 submissions from 3 submitters: Benign (1); Likely benign (2). Last evaluated 2018-06-14.

Conditions:
Loeys-Dietz syndrome 4 (LDS4). Also called: ANEURYSM, AORTIC AND CEREBRAL, WITH ARTERIAL TORTUOSITY AND SKELETAL MANIFESTATIONS; TGFB2-Related Loeys-Dietz Syndrome. Identifiers: MedGen C3553762, MONDO:0013897, OMIM 614816.

Allele frequency attached by ClinVar (database versions not stated): 1000 Genomes Project 30x 0.02889; 1000 Genomes Project 0.02995; gnomAD 0.03052 and 0.03064; gnomAD exomes 0.03191; TOPMed 0.03209.
gnomAD v4.1: 4,655 of 152,408 alleles (3.1%); highest among the groups gnomAD compares: East Asian, 8%; 96 homozygotes.

Submissions (3):

GeneDx
Classification: Likely benign. Last evaluated: 2018-06-14. Review status: criteria provided, single submitter. Criteria: GeneDx Variant Classification (06012015). Collection method: clinical testing. Allele origin: germline. Affected: yes.
Comment: This variant is considered likely benign or benign based on one or more of the following criteria: it is a conservative change, it occurs at a poorly conserved position in the protein, it is predicted to be benign by multiple in silico algorithms, and/or has population frequency not consistent with disease.

Illumina Laboratory Services, Illumina
Classification: Benign for Loeys-Dietz syndrome 4. Last evaluated: 2017-04-27. Review status: criteria provided, single submitter. Criteria: ICSL Variant Classification Criteria 13 December 2019. Collection method: clinical testing. Allele origin: germline.
Comment: This variant was observed as part of a predisposition screen in an ostensibly healthy population. A literature search was performed for the gene, cDNA change, and amino acid change (where applicable). No publications were found based on this search. Allele frequency data from public databases was too high to be consistent with this variant causing disease. Therefore, this variant is classified as benign.

Breakthrough Genomics
Classification: Likely benign. Review status: criteria provided, single submitter. Criteria: ACMG Guidelines, 2015. Collection method: not provided. Allele origin: germline. Inheritance: Autosomal dominant inheritance. Affected: yes.

NM_003238.6(TGFB2):c.-1302A>G

Genes: TGFB2 (transforming growth factor beta 2; plus strand), TGFB2-AS1 (TGFB2 antisense RNA 1; minus strand). Cytogenetic location: 1q41.
Variant type: single nucleotide variant.
Coding change: c.-1302A>G on transcript NM_003238.6 (MANE Select); 1302 bases upstream of the start codon, A replaced by G.
Molecular consequence: 5 prime UTR variant. On other transcripts: non-coding transcript variant (2).
Genome position (GRCh38, 1-based): chr1:218,345,400, A>G. VCF-style: chr1-218345400-A-G. GRCh37 (hg19) VCF-style: chr1-218518742-A-G.
Other names: c.-1302A>G (NM_001135599.4).
Identifiers: ClinVar variation 295455 (VCV000295455.7), dbSNP rs10482718, ClinGen allele CA10609903.